The following is an entry in ClinVar:

ClinVar aggregate classification (germline): Pathogenic (1 of 4 stars; one submission).

Submission:

GeneDx
Classification: Pathogenic. Last evaluated: 2024-05-24. Review status: criteria provided, single submitter. Criteria: GeneDx Variant Classification Process June 2021. Collection method: clinical testing. Allele origin: germline. Affected: yes.
Comment: Nonsense variant predicted to result in protein truncation or nonsense mediated decay in a gene for which loss of function is a known mechanism of disease; Not observed at significant frequency in large population cohorts (gnomAD); Has not been previously published as pathogenic or benign to our knowledge

NM_002972.4(SBF1):c.277C>T (p.Gln93Ter)

Gene: SBF1 (SET binding factor 1; minus strand). Cytogenetic location: 22q13.33.
Variant type: single nucleotide variant.
Coding change: c.277C>T on transcript NM_002972.4 (MANE Select); coding-DNA position 277, C replaced by T.
Protein change: p.Gln93Ter; replaces glutamine 93 with a stop codon.
Molecular consequence: nonsense.
Genome position (GRCh38, 1-based): chr22:50,467,788, G>A on the plus strand (C>T on the coding strand, the complement: SBF1 is on the minus strand). VCF-style: chr22-50467788-G-A. GRCh37 (hg19) VCF-style: chr22-50906217-G-A.
Other names: c.277C>T, p.Gln93Ter (NM_001365819.1); short protein forms Q93*.
Identifiers: ClinVar variation 523853 (VCV000523853.3), dbSNP rs1556436706, ClinGen allele CA412223996.